The following is an entry in ClinVar:

NM_024577.4(SH3TC2):c.2211C>A (p.Cys737Ter)

Gene: SH3TC2 (SH3 domain and tetratricopeptide repeats 2; minus strand). Cytogenetic location: 5q32.
Variant type: single nucleotide variant.
Coding change: c.2211C>A on transcript NM_024577.4 (MANE Select); coding-DNA position 2211, C replaced by A.
Protein change: p.Cys737Ter; replaces cysteine 737 with a stop codon.
Molecular consequence: nonsense.
Genome position (GRCh38, 1-based): chr5:149,027,521, G>T on the plus strand (C>A on the coding strand, the complement: SH3TC2 is on the minus strand). VCF-style: chr5-149027521-G-T. GRCh37 (hg19) VCF-style: chr5-148407084-G-T.
Other names: short protein forms C737*.
Identifiers: ClinVar variation 1356429 (VCV001356429.8), dbSNP rs1318388071, ClinGen allele CA361666842.

ClinVar aggregate classification (germline): Pathogenic. Review status: criteria provided, multiple submitters, no conflicts (2 of 4 stars). 2 submissions from 2 submitters: Pathogenic (2). Last evaluated 2025-11-08.

Conditions:
Inborn genetic diseases. Identifiers: MedGen C0950123, MeSH D030342.
Charcot-Marie-Tooth disease type 4. Also called: Charcot-Marie-Tooth, Type 4; Charcot-Marie-Tooth disease, type IV. Identifiers: Orphanet 64749, MedGen C4082197, MONDO:0018995.

Allele frequency attached by ClinVar (database versions not stated): gnomAD exomes below 0.00001.
gnomAD v4.1: 3 of 1,614,196 alleles (0.00019%); highest among the groups gnomAD compares: Non-Finnish European, 0.00025%; no homozygotes.

Submissions (2):

Labcorp Genetics (formerly Invitae), Labcorp
Classification: Pathogenic for Charcot-Marie-Tooth disease type 4. Last evaluated: 2025-11-08. Review status: criteria provided, single submitter. Criteria: Invitae Variant Classification Sherloc (09022015). Collection method: clinical testing. Allele origin: germline.
Comment: This sequence change creates a premature translational stop signal (p.Cys737*) in the SH3TC2 gene. It is expected to result in an absent or disrupted protein product. Loss-of-function variants in SH3TC2 are known to be pathogenic (PMID: 20220177, 27068304). This variant is present in population databases (no rsID available, gnomAD 0.0009%). This variant has not been reported in the literature in individuals affected with SH3TC2-related conditions. ClinVar contains an entry for this variant (Variation ID: 1356429). For these reasons, this variant has been classified as Pathogenic.

Ambry Genetics
Classification: Pathogenic for Inborn genetic diseases. Last evaluated: 2020-11-24. Review status: criteria provided, single submitter. Criteria: Ambry Variant Classification Scheme 2023. Collection method: clinical testing. Allele origin: germline.
Comment: The p.C737* pathogenic mutation (also known as c.2211C>A), located in coding exon 11 of the SH3TC2 gene, results from a C to A substitution at nucleotide position 2211. This changes the amino acid from a cysteine to a stop codon within coding exon 11. This alteration is expected to result in loss of function by premature protein truncation or nonsense-mediated mRNA decay. As such, this alteration is interpreted as a disease-causing mutation.

Literature cited by the submitters: PubMed 20220177 (cited by Labcorp Genetics (formerly Invitae), Labcorp); PubMed 27068304 (cited by Labcorp Genetics (formerly Invitae), Labcorp).